The following is an entry in ClinVar:

ClinVar aggregate classification (germline): Uncertain significance (1 of 4 stars; one submission).

Conditions:
Long QT syndrome (LQTS). Identifiers: MedGen C0023976, MeSH D008133, MONDO:0002442. Disease mechanism: loss of function. Inheritance: Various modes of inheritance.

Submission:

Labcorp Genetics (formerly Invitae), Labcorp
Classification: Uncertain significance for Long QT syndrome. Last evaluated: 2017-08-24. Review status: criteria provided, single submitter. Criteria: Invitae Variant Classification Sherloc (09022015). Collection method: clinical testing. Allele origin: germline.
Comment: In summary, the available evidence is currently insufficient to determine the role of this variant in disease. Therefore, it has been classified as a Variant of Uncertain Significance. Algorithms developed to predict the effect of missense changes on protein structure and function (SIFT, PolyPhen-2, Align-GVGD) all suggest that this variant is likely to be tolerated, but these predictions have not been confirmed by published functional studies and their clinical significance is uncertain. This variant has not been reported in the literature in individuals with AKAP9-related disease. This variant is not present in population databases (ExAC no frequency). This sequence change replaces alanine with valine at codon 3642 of the AKAP9 protein (p.Ala3642Val). The alanine residue is moderately conserved and there is a small physicochemical difference between alanine and valine.

NM_005751.5(AKAP9):c.10925C>T (p.Ala3642Val)

Gene: AKAP9 (A-kinase anchoring protein 9; plus strand). Cytogenetic location: 7q21.2.
Variant type: single nucleotide variant.
Coding change: c.10925C>T on transcript NM_005751.5 (MANE Select); coding-DNA position 10925, C replaced by T.
Protein change: p.Ala3642Val; replaces alanine 3642 with valine.
Molecular consequence: missense variant.
Genome position (GRCh38, 1-based): chr7:92,100,884, C>T. VCF-style: chr7-92100884-C-T. GRCh37 (hg19) VCF-style: chr7-91730198-C-T.
Other names: c.5570C>T, p.Ala1857Val (NM_001379277.1); c.10901C>T, p.Ala3634Val (NM_147185.3); short protein forms A3642V, A3634V, A1857V.
Identifiers: ClinVar variation 457082 (VCV000457082.8), dbSNP rs1554468459, ClinGen allele CA368159479.